The following is an entry in ClinVar:

NM_000384.3(APOB):c.10729T>C (p.Phe3577Leu)

Gene: APOB (apolipoprotein B; minus strand). Cytogenetic location: 2p24.1.
Variant type: single nucleotide variant.
Coding change: c.10729T>C on transcript NM_000384.3 (MANE Select); coding-DNA position 10729, T replaced by C.
Protein change: p.Phe3577Leu; replaces phenylalanine 3577 with leucine.
Molecular consequence: missense variant.
Genome position (GRCh38, 1-based): chr2:21,006,139, A>G on the plus strand (T>C on the coding strand, the complement: APOB is on the minus strand). VCF-style: chr2-21006139-A-G. GRCh37 (hg19) VCF-style: chr2-21229011-A-G.
Other names: short protein forms F3577L.
Identifiers: ClinVar variation 5009315 (VCV005009315.1).
Genomic context (GRCh38, chr2:21,006,139, plus strand): 5'-ACATTTGCCATGGAGAGAGTTCCAGGGTGGCTTTGCTTGTATGTTCTCCGTTGGTGAAAA[A>G]GAGGCCCTCTAGCTGTAAGTGGTTTTTCGTACTGTGCTCCCAGAGGGAATATATGCGTTG-3'
Protein context (NP_000375.3, residues 3567-3587): TKNHLQLEGL[Phe3577Leu]FTNGEHTSKA

ClinVar aggregate classification (germline): Uncertain significance (1 of 4 stars; one submission).

Submission:

GeneDx
Classification: Uncertain significance. Last evaluated: 2026-03-17. Review status: criteria provided, single submitter. Criteria: GeneDx Variant Classification Process June 2021. Collection method: clinical testing. Allele origin: germline.
Comment: Not observed at significant frequency in large population cohorts (gnomAD); In silico analysis supports that this missense variant has a deleterious effect on protein structure/function; Has not been previously published as pathogenic or benign to our knowledge